The following is an entry in ClinVar:

ClinVar aggregate classification (germline): Uncertain significance (1 of 4 stars; one submission).

Conditions:
Congenital heart disease (CHD). Identifiers: MedGen C0152021, MONDO:0005453. Disease mechanism: unknown.

Submission:

Embryology Laboratory, Victor Chang Cardiac Research Institute
Classification: Uncertain significance for Congenital heart disease. Last evaluated: 2025-08-12. Review status: criteria provided, single submitter. Criteria: ACMG Guidelines, 2015. Collection method: research. Allele origin: unknown. Inheritance: Autosomal unknown. Affected: yes. Observed: 1 variant allele.
Comment: The variant is expected to lead to a start-loss. CEMIP2 and Congenital heart disease are not a known gene/disease relationship, the variant is therefore classified as VUS.

NM_013390.3(CEMIP2):c.3G>T (p.Met1Ile)

Gene: CEMIP2 (cell migration inducing hyaluronidase 2; minus strand). Cytogenetic location: 9q21.13.
Variant type: single nucleotide variant.
Coding change: c.3G>T on transcript NM_013390.3 (MANE Select); coding-DNA position 3, G replaced by T.
Protein change: p.Met1Ile; changes the start codon (methionine 1).
Molecular consequence: missense variant, initiator codon variant. On other transcripts: 5 prime UTR variant (1).
Genome position (GRCh38, 1-based): chr9:71,750,371, C>A on the plus strand (G>T on the coding strand, the complement: CEMIP2 is on the minus strand). VCF-style: chr9-71750371-C-A. GRCh37 (hg19) VCF-style: chr9-74365287-C-A.
Other names: c.3G>T, p.Met1Ile (NM_001135820.2); c.-1878G>T (NM_001349784.2); short protein forms M1I.
Identifiers: ClinVar variation 4075822 (VCV004075822.1).
Genomic context (GRCh38, chr9:71,750,371, plus strand): 5'-ACTATTTCCATTCTGAGGTTGGAGGAAAGCAGGGGAGTGTCCCCTGGAATCAGTGGCATA[C>A]ATGATACACTGTTACTGTGAAAAGAAAAAAAAATTAAGCTTCAGTATGTGTAAATTCTTT-3'
Protein context (NP_037522.1, residues 1-11): [Met1Ile]YATDSRGHSP